The following is an entry in ClinVar:

ClinVar aggregate classification (germline): Uncertain significance. Review status: criteria provided, multiple submitters, no conflicts (2 of 4 stars). 4 submissions from 4 submitters: Uncertain significance (3). 1 of the submissions does not count toward it. Last evaluated 2025-12-02.

Conditions:
Leber congenital amaurosis 4 (LCA4). Identifiers: MedGen C1858386, MONDO:0011458, OMIM 604393.
Retinitis pigmentosa (RP). Identifiers: Orphanet 791, MedGen C0035334, MeSH D012174, MONDO:0019200, OMIM 268000. Inheritance: Autosomal dominant, autosomal recessive and X linked inheritance.
Inborn genetic diseases. Identifiers: MedGen C0950123, MeSH D030342.
Retinal dystrophy. Also called: Inherited retinal dystrophy. Identifiers: Orphanet 71862, MedGen C0854723, MeSH D058499, MONDO:0019118, HP:0000556.

Allele frequency attached by ClinVar (database versions not stated): ExAC 0.00001; gnomAD 0.00001; gnomAD exomes 0.00001 and 0.00004; TOPMed 0.00001.
gnomAD v4.1: 26 of 1,606,224 alleles (0.0016%); highest among the groups gnomAD compares: East Asian, 0.04%; no homozygotes.

Submissions (4):

Ambry Genetics
Classification: Uncertain significance for Inborn genetic diseases. Last evaluated: 2025-12-02. Review status: criteria provided, single submitter. Criteria: Ambry Variant Classification Scheme 2023. Collection method: clinical testing. Allele origin: germline.

Labcorp Genetics (formerly Invitae), Labcorp
Classification: Uncertain significance for Leber congenital amaurosis 4. Last evaluated: 2021-09-01. Review status: criteria provided, single submitter. Criteria: Invitae Variant Classification Sherloc (09022015). Collection method: clinical testing. Allele origin: germline.
Comment: This sequence change replaces glutamic acid with aspartic acid at codon 276 of the AIPL1 protein (p.Glu276Asp). The glutamic acid residue is highly conserved and there is a small physicochemical difference between glutamic acid and aspartic acid. This variant is present in population databases (rs772357501, ExAC 0.01%). This variant has not been reported in the literature in individuals affected with AIPL1-related conditions. Algorithms developed to predict the effect of missense changes on protein structure and function are either unavailable or do not agree on the potential impact of this missense change (SIFT: "Tolerated"; PolyPhen-2: "Possibly Damaging"; Align-GVGD: "Class C0"). In summary, the available evidence is currently insufficient to determine the role of this variant in disease. Therefore, it has been classified as a Variant of Uncertain Significance.

Fulgent Genetics
Classification: Uncertain significance for Retinitis pigmentosa; Leber congenital amaurosis 4. Last evaluated: 2021-07-12. Review status: criteria provided, single submitter. Criteria: ACMG Guidelines, 2015. Collection method: clinical testing. Allele origin: unknown.

Institute of Human Genetics, Univ. Regensburg, Univ. Regensburg
Classification: Uncertain significance for Retinal dystrophy. Last evaluated: 2016-01-01. Review status: no assertion criteria provided. Criteria: ACMG Guidelines, 2015. Collection method: clinical testing. Allele origin: germline. Affected: yes. Not counted in ClinVar's aggregate classification.

NM_014336.5(AIPL1):c.828G>C (p.Glu276Asp)

Gene: AIPL1 (AIP like 1 HSP90 co-chaperone; minus strand). Cytogenetic location: 17p13.2.
Variant type: single nucleotide variant.
Coding change: c.828G>C on transcript NM_014336.5 (MANE Select); coding-DNA position 828, G replaced by C.
Protein change: p.Glu276Asp; replaces glutamic acid 276 with aspartic acid.
Molecular consequence: missense variant. On other transcripts: 3 prime UTR variant (1).
Genome position (GRCh38, 1-based): chr17:6,425,787, C>G on the plus strand (G>C on the coding strand, the complement: AIPL1 is on the minus strand). VCF-style: chr17-6425787-C-G. GRCh37 (hg19) VCF-style: chr17-6329107-C-G.
Other names: c.639G>C, p.Glu213Asp (NM_001033054.3); c.648G>C, p.Glu216Asp (NM_001033055.3); c.792G>C, p.Glu264Asp (NM_001285399.3); c.762G>C, p.Glu254Asp (NM_001285400.3); c.756G>C, p.Glu252Asp (NM_001285401.3); c.711G>C, p.Glu237Asp (NM_001285402.2); c.*799G>C (NM_001285403.4); c.828G>C (NM_014336.3); short protein forms E213D, E216D, E237D, E252D, E254D, E264D, E276D.
Identifiers: ClinVar variation 1010265 (VCV001010265.9), dbSNP rs772357501, ClinGen allele CA8328371.